The following is an entry in ClinVar:

ClinVar aggregate classification (germline): Pathogenic/Likely pathogenic. Review status: criteria provided, multiple submitters, no conflicts (2 of 4 stars). 4 submissions from 4 submitters: Pathogenic (1); Likely pathogenic (2). 1 of the submissions does not count toward it. Last evaluated 2024-11-25.

Conditions:
BBS12-related disorder. Also called: BBS12-related condition.
Bardet-Biedl syndrome 12 (BBS12). Identifiers: Orphanet 110, MedGen C1859570, MONDO:0014440, OMIM 615989.
Bardet-Biedl syndrome (BBS). Identifiers: Orphanet 110, MedGen C0752166, MONDO:0015229.

Allele frequency attached by ClinVar (database versions not stated): gnomAD exomes below 0.00001 and 0.00003.
gnomAD v4.1: 44 of 1,614,212 alleles (0.0027%); highest among the groups gnomAD compares: Non-Finnish European, 0.0036%; no homozygotes.

Submissions (4):

PreventionGenetics, part of Exact Sciences
Classification: Likely pathogenic for BBS12-related condition. Last evaluated: 2024-11-25. Review status: criteria provided, single submitter. Criteria: ACMG Guidelines, 2015. Collection method: clinical testing. Allele origin: germline.
Comment: The BBS12 c.1619G>T variant is predicted to result in the amino acid substitution p.Gly540Val. This variant has been reported in an individual with Bardet-Biedl syndrome who also had a frameshift variant in BBS12 on the opposite allele (Stoetzel et al. 2007. PubMed ID: 17160889). This variant is reported in 0.00088% of alleles in individuals of European (Non-Finnish) descent in gnomAD. Given the evidence, we interpret c.1619G>T (p.Gly540Val) as likely pathogenic.

Labcorp Genetics (formerly Invitae), Labcorp
Classification: Pathogenic for Bardet-Biedl syndrome. Last evaluated: 2023-03-18. Review status: criteria provided, single submitter. Criteria: Invitae Variant Classification Sherloc (09022015). Collection method: clinical testing. Allele origin: germline.
Comment: For these reasons, this variant has been classified as Pathogenic. This variant disrupts the p.Gly540 amino acid residue in BBS12. Other variant(s) that disrupt this residue have been observed in individuals with BBS12-related conditions (PMID: 20142850), which suggests that this may be a clinically significant amino acid residue. Experimental studies have shown that this missense change affects BBS12 function (PMID: 20080638, 20498079). Advanced modeling of protein sequence and biophysical properties (such as structural, functional, and spatial information, amino acid conservation, physicochemical variation, residue mobility, and thermodynamic stability) performed at Invitae indicates that this missense variant is expected to disrupt BBS12 protein function. ClinVar contains an entry for this variant (Variation ID: 550609). This missense change has been observed in individual(s) with Bardet-Biedl syndrome (PMID: 17160889). In at least one individual the data is consistent with being in trans (on the opposite chromosome) from a pathogenic variant. This variant is present in population databases (no rsID available, gnomAD 0.0009%). This sequence change replaces glycine, which is neutral and non-polar, with valine, which is neutral and non-polar, at codon 540 of the BBS12 protein (p.Gly540Val).

Blueprint Genetics
Classification: Likely pathogenic for BBS12-related disorders. Last evaluated: 2020-10-08. Review status: criteria provided, single submitter. Criteria: ACMG Guidelines, 2015. Collection method: clinical testing. Allele origin: germline. Affected: yes. Observed: 2 variant alleles.

Counsyl
Classification: Uncertain significance for Bardet-Biedl syndrome 12. Last evaluated: 2017-02-03. Review status: no assertion criteria provided. Collection method: clinical testing. Allele origin: unknown. Not counted in ClinVar's aggregate classification.

Literature cited by the submitters: PubMed 20142850 (cited by Labcorp Genetics (formerly Invitae), Labcorp); PubMed 20080638 (cited by Labcorp Genetics (formerly Invitae), Labcorp and Counsyl); PubMed 20498079 (cited by Labcorp Genetics (formerly Invitae), Labcorp and Counsyl); PubMed 17160889 (cited by Labcorp Genetics (formerly Invitae), Labcorp and Counsyl).

NM_152618.3(BBS12):c.1619G>T (p.Gly540Val)

Gene: BBS12 (Bardet-Biedl syndrome 12; plus strand). Cytogenetic location: 4q27.
Variant type: single nucleotide variant.
Coding change: c.1619G>T on transcript NM_152618.3 (MANE Select); coding-DNA position 1619, G replaced by T.
Protein change: p.Gly540Val; replaces glycine 540 with valine.
Molecular consequence: missense variant.
Genome position (GRCh38, 1-based): chr4:122,743,511, G>T. VCF-style: chr4-122743511-G-T. GRCh37 (hg19) VCF-style: chr4-123664666-G-T.
Other names: c.1619G>T, p.Gly540Val (NM_001178007.2); short protein forms G540V.
Identifiers: ClinVar variation 550609 (VCV000550609.9), dbSNP rs1010403072, ClinGen allele CA105249219.
Genomic context (GRCh38, chr4:122,743,511, plus strand): 5'-GGACATGTGCCTATCGTTTGTATTATGCTCTAAAAGAGGAAAAGGTCTTCCTTGGAGGTG[G>T]TGCAGTTGAATTTTTGTGTCTTAGCTGTCTTCATATTCTTGCAGAGCAATCTCTGAAAAA-3'
Protein context (NP_689831.2, residues 530-550): LKEEKVFLGG[Gly540Val]AVEFLCLSCL